The following is an entry in ClinVar:

NM_032608.7(MYO18B):c.2377-5C>T

Gene: MYO18B (myosin XVIIIB; plus strand). Cytogenetic location: 22q12.1.
Variant type: single nucleotide variant.
Coding change: c.2377-5C>T on transcript NM_032608.7 (MANE Select); 5 bases into the intron before coding-DNA position 2377, C replaced by T.
Molecular consequence: intron variant.
Genome position (GRCh38, 1-based): chr22:25,797,948, C>T. VCF-style: chr22-25797948-C-T. GRCh37 (hg19) VCF-style: chr22-26193915-C-T.
Other names: c.2377-5C>T (NM_001318245.2).
Identifiers: ClinVar variation 713847 (VCV000713847.9), dbSNP rs761458775, ClinGen allele CA10160154.

ClinVar aggregate classification (germline): Likely benign. Review status: criteria provided, multiple submitters, no conflicts (2 of 4 stars). 2 submissions from 2 submitters: Likely benign (2). Last evaluated 2026-07-19.

Conditions:
MYO18B-related disorder. Also called: MYO18B-related condition.

Allele frequency attached by ClinVar (database versions not stated): gnomAD 0.00005 and 0.00006; TOPMed 0.00005; gnomAD exomes 0.00013 and 0.00019; ExAC 0.00030.
gnomAD v4.1: 188 of 1,613,924 alleles (0.012%); highest among the groups gnomAD compares: Admixed American, 0.075%; 1 homozygote.

Submissions (2):

PreventionGenetics, part of Exact Sciences
Classification: Likely benign for MYO18B-related condition. Last evaluated: 2026-07-19. Review status: criteria provided, single submitter. Criteria: ACMG Guidelines, 2015. Collection method: clinical testing. Allele origin: germline.
Comment: This variant is classified as likely benign based on ACMG/AMP sequence variant interpretation guidelines (Richards et al. 2015 PMID: 25741868, with internal and published modifications).

Labcorp Genetics (formerly Invitae), Labcorp
Classification: Likely benign. Last evaluated: 2025-11-01. Review status: criteria provided, single submitter. Criteria: Invitae Variant Classification Sherloc (09022015). Collection method: clinical testing. Allele origin: germline.